The following is an entry in ClinVar:

ClinVar aggregate classification (germline): Pathogenic. Review status: criteria provided, multiple submitters, no conflicts (2 of 4 stars). 4 submissions from 4 submitters: Pathogenic (3). 1 of the submissions does not count toward it. Last evaluated 2022-01-27.

Conditions:
Hypotonia, infantile, with psychomotor retardation and characteristic facies 2 (IHPRF2). Also called: UNC80 Deficiency. Identifiers: Orphanet 371364, Orphanet 700333, MedGen C4225203, MONDO:0014777, OMIM 616801.

Allele frequency attached by ClinVar (database versions not stated): gnomAD exomes below 0.00001.
gnomAD v4.1: 7 of 1,540,036 alleles (0.00045%); highest among the groups gnomAD compares: South Asian, 0.0012%; no homozygotes.

Submissions (4):

GeneDx
Classification: Pathogenic. Last evaluated: 2022-01-27. Review status: criteria provided, single submitter. Criteria: GeneDx Variant Classification Process June 2021. Collection method: clinical testing. Allele origin: germline. Affected: yes.
Comment: Nonsense variant predicted to result in protein truncation or nonsense mediated decay in a gene for which loss-of-function is a known mechanism of disease; Not observed at significant frequency in large population cohorts (gnomAD); This variant is associated with the following publications: (PMID: 30167850)

Laboratorio de Genetica e Diagnostico Molecular, Hospital Israelita Albert Einstein
Classification: Pathogenic. Last evaluated: 2020-01-28. Review status: criteria provided, single submitter. Criteria: ACMG Guidelines, 2015. Collection method: clinical testing. Allele origin: germline. Affected: yes.
Comment: ACMG classification criteria: PVS1, PS4, PM2

Revvity Omics, Revvity
Classification: Pathogenic for Hypotonia, infantile, with psychomotor retardation and characteristic facies 2. Last evaluated: 2019-10-30. Review status: criteria provided, single submitter. Criteria: ACMG Guidelines, 2015. Collection method: clinical testing. Allele origin: germline.

Yale Center for Mendelian Genomics, Yale University
Classification: Pathogenic for Hypotonia, infantile, with psychomotor retardation and characteristic facies 2. Last evaluated: 2018-08-23. Review status: no assertion criteria provided. Collection method: literature only. Allele origin: germline. Affected: yes. Observed: 1 homozygote. Not counted in ClinVar's aggregate classification.

Literature cited by the submitters: PubMed 30167850 (cited by Yale Center for Mendelian Genomics, Yale University).

NM_001371986.1(UNC80):c.5869C>T (p.Arg1957Ter)

Gene: UNC80 (unc-80 subunit of NALCN channel complex; plus strand). Cytogenetic location: 2q34.
Variant type: single nucleotide variant.
Coding change: c.5869C>T on transcript NM_001371986.1 (MANE Select); coding-DNA position 5869, C replaced by T.
Protein change: p.Arg1957Ter; replaces arginine 1957 with a stop codon.
Molecular consequence: nonsense.
Genome position (GRCh38, 1-based): chr2:209,929,933, C>T. VCF-style: chr2-209929933-C-T. GRCh37 (hg19) VCF-style: chr2-210794657-C-T.
Other names: c.5671C>T, p.Arg1891Ter (NM_032504.2); c.5656C>T, p.Arg1886Ter (NM_182587.4); short protein forms R1886*, R1891*, R1957*.
Identifiers: ClinVar variation 684715 (VCV000684715.9), dbSNP rs1262654975, ClinGen allele CA350766991.